The following is an entry in ClinVar:

ClinVar aggregate classification (germline): Uncertain significance (1 of 4 stars; one submission).

Conditions:
Hereditary cancer-predisposing syndrome. Also called: Neoplastic Syndromes, Hereditary; Tumor predisposition; Hereditary Cancer Syndrome; Hereditary neoplastic syndrome. Identifiers: Orphanet 140162, MedGen C0027672, MeSH D009386, MONDO:0015356.

Submission:

Ambry Genetics
Classification: Uncertain significance for Hereditary cancer-predisposing syndrome. Last evaluated: 2026-03-04. Review status: criteria provided, single submitter. Criteria: Ambry Variant Classification Scheme 2023. Collection method: clinical testing. Allele origin: germline.
Comment: The p.H388Y variant (also known as c.1162C>T), located in coding exon 1 of the MET gene, results from a C to T substitution at nucleotide position 1162. The histidine at codon 388 is replaced by tyrosine, an amino acid with similar properties. This amino acid position is conserved. In addition, the in silico prediction for this alteration is inconclusive. Based on the available evidence, the clinical significance of this variant remains unclear.

NM_000245.4(MET):c.1162C>T (p.His388Tyr)

Gene: MET (MET proto-oncogene, receptor tyrosine kinase; plus strand). Cytogenetic location: 7q31.2.
Variant type: single nucleotide variant.
Coding change: c.1162C>T on transcript NM_000245.4 (MANE Select); coding-DNA position 1162, C replaced by T.
Protein change: p.His388Tyr; replaces histidine 388 with tyrosine.
Molecular consequence: missense variant. On other transcripts: intron variant (1).
Genome position (GRCh38, 1-based): chr7:116,700,246, C>T. VCF-style: chr7-116700246-C-T. GRCh37 (hg19) VCF-style: chr7-116340300-C-T.
Other names: c.1162C>T, p.His388Tyr (NM_001127500.3, NM_001324401.3); c.-91+27669C>T (NM_001324402.2); short protein forms H388Y.
Identifiers: ClinVar variation 4827496 (VCV004827496.1).